The following is an entry in ClinVar:

NM_001298.3(CNGA3):c.1783A>G (p.Lys595Glu)

Gene: CNGA3 (cyclic nucleotide gated channel subunit alpha 3; plus strand). Cytogenetic location: 2q11.2.
Variant type: single nucleotide variant.
Coding change: c.1783A>G on transcript NM_001298.3 (MANE Select); coding-DNA position 1783, A replaced by G.
Protein change: p.Lys595Glu; replaces lysine 595 with glutamic acid.
Molecular consequence: missense variant.
Genome position (GRCh38, 1-based): chr2:98,396,953, A>G. VCF-style: chr2-98396953-A-G. GRCh37 (hg19) VCF-style: chr2-99013416-A-G.
Other names: c.1729A>G, p.Lys577Glu (NM_001079878.2); short protein forms K577E, K595E.
Identifiers: ClinVar variation 1021938 (VCV001021938.8), dbSNP rs867965684, ClinGen allele CA52636014.
Genomic context (GRCh38, chr2:98,396,953, plus strand): 5'-GACCTGTTCTGCCTCTCAAAGGACGATCTCATGGAGGCCCTCACCGAGTACCCCGAAGCC[A>G]AGAAGGCCCTGGAGGAGAAAGGACGGCAGATCCTGATGAAAGACAACCTGATCGATGAGG-3'
Protein context (NP_001289.1, residues 585-605): MEALTEYPEA[Lys595Glu]KALEEKGRQI

ClinVar aggregate classification (germline): Uncertain significance (1 of 4 stars; one submission).

Allele frequency attached by ClinVar (database versions not stated): gnomAD exomes 0.00001; TOPMed 0.00001.
gnomAD v4.1: 5 of 1,614,122 alleles (0.00031%); highest among the groups gnomAD compares: Non-Finnish European, 0.00042%; no homozygotes.

Submission:

Labcorp Genetics (formerly Invitae), Labcorp
Classification: Uncertain significance. Last evaluated: 2020-10-27. Review status: criteria provided, single submitter. Criteria: Invitae Variant Classification Sherloc (09022015). Collection method: clinical testing. Allele origin: germline.
Comment: This sequence change replaces lysine with glutamic acid at codon 595 of the CNGA3 protein (p.Lys595Glu). The lysine residue is highly conserved and there is a small physicochemical difference between lysine and glutamic acid. This variant is not present in population databases (ExAC no frequency). This variant has not been reported in the literature in individuals with CNGA3-related conditions. Advanced modeling of protein sequence and biophysical properties (such as structural, functional, and spatial information, amino acid conservation, physicochemical variation, residue mobility, and thermodynamic stability) performed at Invitae indicates that this missense variant is expected to disrupt CNGA3 protein function. In summary, the available evidence is currently insufficient to determine the role of this variant in disease. Therefore, it has been classified as a Variant of Uncertain Significance.